The following is an entry in ClinVar:

NM_001039141.3(TRIOBP):c.3451A>G (p.Met1151Val)

Gene: TRIOBP (TRIO and F-actin binding protein; plus strand). Cytogenetic location: 22q13.1.
Variant type: single nucleotide variant.
Coding change: c.3451A>G on transcript NM_001039141.3 (MANE Select); coding-DNA position 3451, A replaced by G.
Protein change: p.Met1151Val; replaces methionine 1151 with valine.
Molecular consequence: missense variant.
Genome position (GRCh38, 1-based): chr22:37,726,007, A>G. VCF-style: chr22-37726007-A-G. GRCh37 (hg19) VCF-style: chr22-38122014-A-G.
Other names: short protein forms M1151V.
Identifiers: ClinVar variation 1303254 (VCV001303254.4), dbSNP rs368198510, ClinGen allele CA10224129.

ClinVar aggregate classification (germline): Uncertain significance. Review status: criteria provided, multiple submitters, no conflicts (2 of 4 stars). 2 submissions from 2 submitters: Uncertain significance (2). Last evaluated 2022-03-12.

Allele frequency attached by ClinVar (database versions not stated): gnomAD 0.00005 and 0.00006; gnomAD exomes 0.00005 and 0.00013; ESP Exome Variant Server 0.00008; TOPMed 0.00009; ExAC 0.00012.

Submissions (2):

Labcorp Genetics (formerly Invitae), Labcorp
Classification: Uncertain significance. Last evaluated: 2022-03-12. Review status: criteria provided, single submitter. Criteria: Invitae Variant Classification Sherloc (09022015). Collection method: clinical testing. Allele origin: germline.
Comment: In summary, the available evidence is currently insufficient to determine the role of this variant in disease. Therefore, it has been classified as a Variant of Uncertain Significance. Algorithms developed to predict the effect of missense changes on protein structure and function output the following: SIFT: "Tolerated"; PolyPhen-2: "Benign"; Align-GVGD: "Class C0". The valine amino acid residue is found in multiple mammalian species, which suggests that this missense change does not adversely affect protein function. ClinVar contains an entry for this variant (Variation ID: 1303254). This missense change has been observed in individual(s) with deafness (PMID: 24853665, 29197352). This variant is present in population databases (rs368198510, gnomAD 0.09%). This sequence change replaces methionine, which is neutral and non-polar, with valine, which is neutral and non-polar, at codon 1151 of the TRIOBP protein (p.Met1151Val).

GeneDx
Classification: Uncertain significance. Last evaluated: 2021-05-24. Review status: criteria provided, single submitter. Criteria: GeneDx Variant Classification Process June 2021. Collection method: clinical testing. Allele origin: germline. Affected: yes.
Comment: Identified with a second TRIOBP variant, phase unknown, in a patient with bilateral sensorineural hearing loss in published literature, although age of hearing loss onset was not provided (Gu et al., 2015); In silico analysis supports that this missense variant does not alter protein structure/function; This variant is associated with the following publications: (PMID: 27014650, 33121024, 32487028, 24853665)

Literature cited by the submitters: PubMed 24853665 (cited by Labcorp Genetics (formerly Invitae), Labcorp); PubMed 29197352 (cited by Labcorp Genetics (formerly Invitae), Labcorp).